The following is an entry in ClinVar:

NM_000051.4(ATM):c.6863T>A (p.Val2288Asp)

Genes: ATM (ATM serine/threonine kinase; plus strand), C11orf65 (chromosome 11 open reading frame 65; minus strand). Cytogenetic location: 11q22.3.
Variant type: single nucleotide variant.
Coding change: c.6863T>A on transcript NM_000051.4 (MANE Select); coding-DNA position 6863, T replaced by A.
Protein change: p.Val2288Asp; replaces valine 2288 with aspartic acid.
Molecular consequence: missense variant. On other transcripts: intron variant (2).
Genome position (GRCh38, 1-based): chr11:108,326,113, T>A. VCF-style: chr11-108326113-T-A. GRCh37 (hg19) VCF-style: chr11-108196840-T-A.
Other names: c.6863T>A, p.Val2288Asp (NM_001351834.2); c.641-17042A>T (NM_001330368.2); c.*38+9107A>T (NM_001351110.2); short protein forms V2288D.
Identifiers: ClinVar variation 640491 (VCV000640491.7), dbSNP rs1591133559, ClinGen allele CA382556741.

ClinVar aggregate classification (germline): Uncertain significance (1 of 4 stars; one submission).

Conditions:
Ataxia-telangiectasia syndrome (AT). Also called: Ataxia-telangiectasia, complementation group D; AT, COMPLEMENTATION GROUP C; ATAXIA-TELANGIECTASIA, COMPLEMENTATION GROUP A; ATAXIA-TELANGIECTASIA, FRESNO VARIANT; Ataxia-telangiectasia; LOUIS-BAR SYNDROME. Identifiers: Orphanet 100, MedGen C0004135, MONDO:0008840, OMIM 208900.

Allele frequency attached by ClinVar (database versions not stated): gnomAD exomes below 0.00001.
gnomAD v4.1: 1 of 1,614,018 alleles (0.000062%); highest among the groups gnomAD compares: Non-Finnish European, 0.000085%; no homozygotes.

Submission:

Labcorp Genetics (formerly Invitae), Labcorp
Classification: Uncertain significance for Ataxia-telangiectasia syndrome. Last evaluated: 2021-08-26. Review status: criteria provided, single submitter. Criteria: Invitae Variant Classification Sherloc (09022015). Collection method: clinical testing. Allele origin: germline.
Comment: This sequence change replaces valine with aspartic acid at codon 2288 of the ATM protein (p.Val2288Asp). The valine residue is weakly conserved and there is a large physicochemical difference between valine and aspartic acid. This variant is not present in population databases (ExAC no frequency). This variant has not been reported in the literature in individuals affected with ATM-related conditions. Algorithms developed to predict the effect of missense changes on protein structure and function (SIFT, PolyPhen-2, Align-GVGD) all suggest that this variant is likely to be tolerated. In summary, the available evidence is currently insufficient to determine the role of this variant in disease. Therefore, it has been classified as a Variant of Uncertain Significance.